The following is an entry in ClinVar:

NM_000138.5(FBN1):c.2356G>A (p.Gly786Arg)

Gene: FBN1 (fibrillin 1; minus strand). Cytogenetic location: 15q21.1.
Variant type: single nucleotide variant.
Coding change: c.2356G>A on transcript NM_000138.5 (MANE Select); coding-DNA position 2356, G replaced by A.
Protein change: p.Gly786Arg; replaces glycine 786 with arginine.
Molecular consequence: missense variant.
Genome position (GRCh38, 1-based): chr15:48,496,163, C>T on the plus strand (G>A on the coding strand, the complement: FBN1 is on the minus strand). VCF-style: chr15-48496163-C-T. GRCh37 (hg19) VCF-style: chr15-48788360-C-T.
Other names: c.2356G>A, p.Gly786Arg (NM_001406716.1); short protein forms G786R.
Identifiers: ClinVar variation 1709056 (VCV001709056.2), dbSNP rs2505573651, ClinGen allele CA392335424.

ClinVar aggregate classification (germline): Uncertain significance (1 of 4 stars; one submission).

Conditions:
Marfan syndrome (MFS). Also called: Marfan's syndrome; Marfan syndrome, classic; MARFAN SYNDROME, TYPE I; Marfan syndrome type 1; FBN1-Related Marfan Syndrome. Identifiers: Orphanet 284963, Orphanet 558, MedGen C0024796, MONDO:0007947, OMIM 154700.

Submission:

MGZ Medical Genetics Center
Classification: Uncertain significance for Marfan syndrome. Last evaluated: 2022-01-04. Review status: criteria provided, single submitter. Criteria: ACMG Guidelines, 2015. Collection method: clinical testing. Allele origin: germline. Affected: yes. Observed: 1 variant allele.
Comment: ACMG criteria applied: PM1, PM2_SUP, PP2, PP3